The following is an entry in ClinVar:

NM_052947.4(ALPK2):c.2045C>T (p.Pro682Leu)

Gene: ALPK2 (alpha kinase 2; minus strand). Cytogenetic location: 18q21.31.
Variant type: single nucleotide variant.
Coding change: c.2045C>T on transcript NM_052947.4 (MANE Select); coding-DNA position 2045, C replaced by T.
Protein change: p.Pro682Leu; replaces proline 682 with leucine.
Molecular consequence: missense variant.
Genome position (GRCh38, 1-based): chr18:58,538,142, G>A on the plus strand (C>T on the coding strand, the complement: ALPK2 is on the minus strand). VCF-style: chr18-58538142-G-A. GRCh37 (hg19) VCF-style: chr18-56205374-G-A.
Other names: short protein forms P682L.
Identifiers: ClinVar variation 1784957 (VCV001784957.2), dbSNP rs2518878189, ClinGen allele CA402571824.

ClinVar aggregate classification (germline): Uncertain significance (1 of 4 stars; one submission).

Allele frequency attached by ClinVar (database versions not stated): gnomAD exomes below 0.00001.
gnomAD v4.1: 2 of 1,613,364 alleles (0.00012%); highest among the groups gnomAD compares: East Asian, 0.0022%; no homozygotes.

Submission:

Ambry Genetics
Classification: Uncertain significance. Last evaluated: 2022-03-19. Review status: criteria provided, single submitter. Criteria: Ambry Variant Classification Scheme 2023. Collection method: clinical testing. Allele origin: germline.
Comment: The p.P682L variant (also known as c.2045C>T), located in coding exon 4 of the ALPK2 gene, results from a C to T substitution at nucleotide position 2045. The proline at codon 682 is replaced by leucine, an amino acid with similar properties. This amino acid position is conserved. In addition, this alteration is predicted to be tolerated by in silico analysis. Since supporting evidence is limited at this time, the clinical significance of this alteration remains unclear.